The following is an entry in ClinVar:

NM_005720.4(ARPC1B):c.820G>A (p.Ala274Thr)

Gene: ARPC1B (actin related protein 2/3 complex subunit 1B; plus strand). Cytogenetic location: 7q22.1.
Variant type: single nucleotide variant.
Coding change: c.820G>A on transcript NM_005720.4 (MANE Select); coding-DNA position 820, G replaced by A.
Protein change: p.Ala274Thr; replaces alanine 274 with threonine.
Molecular consequence: missense variant.
Genome position (GRCh38, 1-based): chr7:99,392,707, G>A. VCF-style: chr7-99392707-G-A. GRCh37 (hg19) VCF-style: chr7-98990330-G-A.
Other names: short protein forms A274T.
Identifiers: ClinVar variation 1351504 (VCV001351504.7), dbSNP rs960452758, ClinGen allele CA163113579.
Genomic context (GRCh38, chr7:99,392,707, plus strand): 5'-CAATGGCCCCCGCCCTCCGCGCAGGGCCACGACTGCTTCCCGGTGCTGTTCACCTATGAC[G>A]CCGCCGCGGGGATGCTGAGCTTCGGCGGGCGGCTGGACGTTCCTAAGCAGAGCTCGCAGC-3'
Protein context (NP_005711.1, residues 264-284): DCFPVLFTYD[Ala274Thr]AAGMLSFGGR

ClinVar aggregate classification (germline): Uncertain significance (1 of 4 stars; one submission).

Allele frequency attached by ClinVar (database versions not stated): gnomAD 0.00001; TOPMed 0.00001.
gnomAD v4.1: 47 of 1,545,754 alleles (0.003%); highest among the groups gnomAD compares: Middle Eastern, 0.017%; no homozygotes.

Submission:

Labcorp Genetics (formerly Invitae), Labcorp
Classification: Uncertain significance. Last evaluated: 2023-12-21. Review status: criteria provided, single submitter. Criteria: Invitae Variant Classification Sherloc (09022015). Collection method: clinical testing. Allele origin: germline.
Comment: This sequence change replaces alanine, which is neutral and non-polar, with threonine, which is neutral and polar, at codon 274 of the ARPC1B protein (p.Ala274Thr). This variant is present in population databases (no rsID available, gnomAD 0.007%). This variant has not been reported in the literature in individuals affected with ARPC1B-related conditions. ClinVar contains an entry for this variant (Variation ID: 1351504). Advanced modeling of protein sequence and biophysical properties (such as structural, functional, and spatial information, amino acid conservation, physicochemical variation, residue mobility, and thermodynamic stability) performed at Invitae indicates that this missense variant is not expected to disrupt ARPC1B protein function with a negative predictive value of 80%. In summary, the available evidence is currently insufficient to determine the role of this variant in disease. Therefore, it has been classified as a Variant of Uncertain Significance.